The following is an entry in ClinVar:

NM_025163.4(PIGZ):c.225C>T (p.Gly75=)

Gene: PIGZ (phosphatidylinositol glycan anchor biosynthesis class Z (Gwada blood group); minus strand). Cytogenetic location: 3q29.
Variant type: single nucleotide variant.
Coding change: c.225C>T on transcript NM_025163.4 (MANE Select); coding-DNA position 225, C replaced by T.
Protein change: p.Gly75=; no amino-acid change (glycine 75 retained).
Molecular consequence: synonymous variant.
Genome position (GRCh38, 1-based): chr3:196,948,672, G>A on the plus strand (C>T on the coding strand, the complement: PIGZ is on the minus strand). VCF-style: chr3-196948672-G-A. GRCh37 (hg19) VCF-style: chr3-196675543-G-A.
Identifiers: ClinVar variation 3905486 (VCV003905486.10).

ClinVar aggregate classification (germline): Likely benign (1 of 4 stars; one submission).

gnomAD v4.1: 28 of 1,454,338 alleles (0.0019%); highest among the groups gnomAD compares: East Asian, 0.012%; no homozygotes.

Submission:

CeGaT Center for Human Genetics Tuebingen
Classification: Likely benign. Last evaluated: 2025-05-01. Review status: criteria provided, single submitter. Criteria: CeGaT Center For Human Genetics Tuebingen Variant Classification Criteria Version 2. Collection method: clinical testing. Allele origin: germline. Affected: yes. Observed: 1 variant allele.
Comment: PIGZ: BP4, BP7